The following is an entry in ClinVar:

ClinVar aggregate classification (germline): Uncertain significance. Review status: criteria provided, multiple submitters, no conflicts (2 of 4 stars). 2 submissions from 2 submitters: Uncertain significance (2). Last evaluated 2025-09-11.

Conditions:
Spermatogenic failure 18. Identifiers: MedGen C4539783, MONDO:0054615, OMIM 617576.
Ciliary dyskinesia, primary, 37 (CILD37). Also called: CILIARY DYSKINESIA, PRIMARY, 37, WITH OR WITHOUT SITUS INVERSUS. Identifiers: MedGen C4539798, MONDO:0033204, OMIM 617577.

Allele frequency attached by ClinVar (database versions not stated): ExAC below 0.00001; gnomAD exomes 0.00001; TOPMed 0.00004; gnomAD 0.00005 and 0.00006.
gnomAD v4.1: 21 of 1,552,182 alleles (0.0014%); highest among the groups gnomAD compares: African/African-American, 0.023%; no homozygotes.

Submissions (2):

GeneDx
Classification: Uncertain significance. Last evaluated: 2025-09-11. Review status: criteria provided, single submitter. Criteria: GeneDx Variant Classification Process June 2021. Collection method: clinical testing. Allele origin: germline.
Comment: In silico analysis supports that this missense variant has a deleterious effect on protein structure/function; Has not been previously published as pathogenic or benign to our knowledge

Labcorp Genetics (formerly Invitae), Labcorp
Classification: Uncertain significance for Ciliary dyskinesia, primary, 37; Spermatogenic failure 18. Last evaluated: 2025-05-06. Review status: criteria provided, single submitter. Criteria: Invitae Variant Classification Sherloc (09022015). Collection method: clinical testing. Allele origin: germline.
Comment: This sequence change replaces aspartic acid, which is acidic and polar, with asparagine, which is neutral and polar, at codon 2866 of the DNAH1 protein (p.Asp2866Asn). The frequency data for this variant in the population databases is considered unreliable, as metrics indicate poor data quality at this position in the gnomAD database. This variant has not been reported in the literature in individuals affected with DNAH1-related conditions. ClinVar contains an entry for this variant (Variation ID: 956803). Invitae Evidence Modeling of protein sequence and biophysical properties (such as structural, functional, and spatial information, amino acid conservation, physicochemical variation, residue mobility, and thermodynamic stability) indicates that this missense variant is not expected to disrupt DNAH1 protein function with a negative predictive value of 80%. In summary, the available evidence is currently insufficient to determine the role of this variant in disease. Therefore, it has been classified as a Variant of Uncertain Significance.

NM_015512.5(DNAH1):c.8596G>A (p.Asp2866Asn)

Gene: DNAH1 (dynein axonemal heavy chain 1; plus strand). Cytogenetic location: 3p21.1.
Variant type: single nucleotide variant.
Coding change: c.8596G>A on transcript NM_015512.5 (MANE Select); coding-DNA position 8596, G replaced by A.
Protein change: p.Asp2866Asn; replaces aspartic acid 2866 with asparagine.
Molecular consequence: missense variant.
Genome position (GRCh38, 1-based): chr3:52,385,418, G>A. VCF-style: chr3-52385418-G-A. GRCh37 (hg19) VCF-style: chr3-52419434-G-A.
Other names: short protein forms D2866N.
Identifiers: ClinVar variation 956803 (VCV000956803.8), dbSNP rs748421970, ClinGen allele CA2435247.